The following is an entry in ClinVar:

ClinVar aggregate classification (germline): Pathogenic/Likely pathogenic. Review status: criteria provided, multiple submitters, no conflicts (2 of 4 stars). 5 submissions from 5 submitters: Pathogenic (3); Likely pathogenic (2). Last evaluated 2025-12-31.

Conditions:
MIRAGE syndrome. Also called: MYELODYSPLASIA, INFECTION, RESTRICTION OF GROWTH, ADRENAL HYPOPLASIA, GENITAL PHENOTYPES, AND ENTEROPATHY. Identifiers: Orphanet 494433, MedGen C4284088, MONDO:0014888, OMIM 617053.
Inborn genetic diseases. Identifiers: MedGen C0950123, MeSH D030342.

Submissions (5):

Women's Health and Genetics/Laboratory Corporation of America, LabCorp
Classification: Likely pathogenic for MIRAGE syndrome. Last evaluated: 2025-12-31. Review status: criteria provided, single submitter. Criteria: LabCorp Variant Classification Summary - May 2015. Collection method: clinical testing. Allele origin: germline.
Comment: Variant summary: SAMD9 c.2054G>A (p.Arg685Gln) results in a conservative amino acid change in the encoded protein sequence. Algorithms developed to predict the effect of missense changes on protein structure and function all suggest that this variant is likely to be tolerated. The variant was absent in 251164 control chromosomes. c.2054G>A has been observed as a de-novo occurrence in individual(s) affected with MIRAGE Syndrome (example, Buonocore_2017, Weinberg_2019, Mitsui-Sekinaka_2021, Panaitescu_2024). These data indicate that the variant is likely to be associated with disease. At least one publication reports experimental evidence evaluating an impact on protein function. The most pronounced variant effect results in reduced cell proliferation compared to controls, consistent with a gain-of-function effect (Buonocore, 2017). The following publications have been ascertained in the context of this evaluation (PMID: 28346228, 33423168, 38539345, 31309983). ClinVar contains an entry for this variant (Variation ID: 421898). Based on the evidence outlined above, the variant was classified as likely pathogenic.

Labcorp Genetics (formerly Invitae), Labcorp
Classification: Likely pathogenic. Last evaluated: 2024-06-12. Review status: criteria provided, single submitter. Criteria: Invitae Variant Classification Sherloc (09022015). Collection method: clinical testing. Allele origin: germline.
Comment: This sequence change replaces arginine, which is basic and polar, with glutamine, which is neutral and polar, at codon 685 of the SAMD9 protein (p.Arg685Gln). This variant is not present in population databases (gnomAD no frequency). This missense change has been observed in individual(s) with autosomal dominant MIRAGE syndrome (PMID: 28346228). In at least one individual the variant was observed to be de novo. ClinVar contains an entry for this variant (Variation ID: 421898). Advanced modeling of protein sequence and biophysical properties (such as structural, functional, and spatial information, amino acid conservation, physicochemical variation, residue mobility, and thermodynamic stability) has been performed at Invitae for this missense variant, however the output from this modeling did not meet the statistical confidence thresholds required to predict the impact of this variant on SAMD9 protein function. Experimental studies have shown that this missense change affects SAMD9 function (PMID: 28346228). In summary, the currently available evidence indicates that the variant is pathogenic, but additional data are needed to prove that conclusively. Therefore, this variant has been classified as Likely Pathogenic.

GeneDx
Classification: Pathogenic. Last evaluated: 2024-03-15. Review status: criteria provided, single submitter. Criteria: GeneDx Variant Classification Process June 2021. Collection method: clinical testing. Allele origin: germline. Affected: yes.
Comment: Published functional studies demonstrate a damaging effect: transfection of the R685Q mutant protein in HEK293 cells has a gain-of-function effect and protein expression is decreased in fibroblasts relative to wildtype controls (PMID: 28346228); Not observed at significant frequency in large population cohorts (gnomAD); In silico analysis supports that this missense variant does not alter protein structure/function; This variant is associated with the following publications: (PMID: 28346228, Panaitescu2024[Review], 31309983)

Greenwood Genetic Center Diagnostic Laboratories, Greenwood Genetic Center
Classification: Pathogenic for MIRAGE syndrome. Last evaluated: 2023-07-19. Review status: criteria provided, single submitter. Criteria: ACMG Guidelines, 2015. Collection method: clinical testing. Allele origin: germline. Affected: yes.
Comment: PS3, PS4_Moderate, PM2, PM6

Ambry Genetics
Classification: Pathogenic for Inborn genetic diseases. Last evaluated: 2022-07-13. Review status: criteria provided, single submitter. Criteria: Ambry Variant Classification Scheme 2023. Collection method: clinical testing. Allele origin: germline.
Comment: The c.2054G>A (p.R685Q) alteration is located in exon 3 (coding exon 1) of the SAMD9 gene. This alteration results from a G to A substitution at nucleotide position 2054, causing the arginine (R) at amino acid position 685 to be replaced by a glutamine (Q). This variant was not reported in population-based cohorts in the Genome Aggregation Database (gnomAD). This alteration was reported as de novo in a patient with intrauterine growth restriction, severe adrenal insufficiency, intraabdominal gonads, anemia, thrombocytopenia, blood infection/sepsis, and respiratory distress syndrome/bronchopulmonary dysplasia. Hematopoietic cells showed monosomy 7 and then partial loss of 7q. This alteration was reported in an additional patient with myelodysplastic syndrome/myeloproliferative neoplasm showing monosomy 7 on morphological evaluation of bone marrow (Weinberg, 2019). This amino acid position is not well conserved in available vertebrate species. Functional analysis demonstrated that the p.R685Q alteration reduced cell proliferation compared to controls, consistent with a gain-of-function effect (Buonocore, 2017). This alteration is predicted to be tolerated by in silico analysis. Based on the available evidence, this alteration is classified as pathogenic.

Literature cited by the submitters: PubMed 31309983 (cited by Women's Health and Genetics/Laboratory Corporation of America, LabCorp and Ambry Genetics); PubMed 28346228 (cited by 3 submitters); PubMed 33423168 (cited by Women's Health and Genetics/Laboratory Corporation of America, LabCorp); PubMed 38539345 (cited by Women's Health and Genetics/Laboratory Corporation of America, LabCorp).

NM_017654.4(SAMD9):c.2054G>A (p.Arg685Gln)

Gene: SAMD9 (sterile alpha motif domain containing 9; minus strand). Cytogenetic location: 7q21.2.
Variant type: single nucleotide variant.
Coding change: c.2054G>A on transcript NM_017654.4 (MANE Select); coding-DNA position 2054, G replaced by A.
Protein change: p.Arg685Gln; replaces arginine 685 with glutamine.
Molecular consequence: missense variant.
Genome position (GRCh38, 1-based): chr7:93,104,044, C>T on the plus strand (G>A on the coding strand, the complement: SAMD9 is on the minus strand). VCF-style: chr7-93104044-C-T. GRCh37 (hg19) VCF-style: chr7-92733357-C-T.
Other names: c.2054G>A, p.Arg685Gln (NM_001193307.2); short protein forms R685Q.
Identifiers: ClinVar variation 421898 (VCV000421898.11), dbSNP rs1064795431, ClinGen allele CA16618572.